The following is an entry in ClinVar:

NM_000218.3(KCNQ1):c.1394-2A>G

Genes: KCNQ1 (potassium voltage-gated channel subfamily Q member 1; plus strand), KCNQ1OT1 (KCNQ1 opposite strand/antisense transcript 1; minus strand). Cytogenetic location: 11p15.5.
Variant type: single nucleotide variant.
Coding change: c.1394-2A>G on transcript NM_000218.3 (MANE Select); the canonical splice acceptor site of the intron before coding-DNA position 1394, A replaced by G.
Molecular consequence: splice acceptor variant.
Genome position (GRCh38, 1-based): chr11:2,661,959, A>G. VCF-style: chr11-2661959-A-G. GRCh37 (hg19) VCF-style: chr11-2683189-A-G.
Other names: c.1124-2A>G (NM_001406837.1); c.1298-2A>G (NM_001406836.1); c.854-2A>G (NM_001406838.1); c.1013-2A>G (NM_181798.2); c.1394-2A>G (NM_000218.2).
Identifiers: ClinVar variation 1500718 (VCV001500718.9), dbSNP rs2133855926, ClinGen allele CA379479298.
Genomic context (GRCh38, chr11:2,661,959, plus strand): 5'-CTCCACAGCACTGGCAGGTTGGGTGGGAGGCCTAACGTGCTGTCCCCACACTTTCTCCTC[A>G]GTAAGGAAGAGCCCAACACTGCTGGAAGTGAGCATGCCCCATTTCATGAGAACCAACAGC-3'

ClinVar aggregate classification (germline): Pathogenic/Likely pathogenic. Review status: criteria provided, multiple submitters, no conflicts (2 of 4 stars). 3 submissions from 3 submitters: Pathogenic (2); Likely pathogenic (1). Last evaluated 2025-03-03.

Conditions:
KCNQ1-related disorder. Also called: KCNQ1-related condition; KCNQ1-related disorders. Identifiers: MedGen CN239322.
Cardiovascular phenotype. Identifiers: MedGen CN230736.
Long QT syndrome (LQTS). Identifiers: MedGen C0023976, MeSH D008133, MONDO:0002442. Disease mechanism: loss of function. Inheritance: Various modes of inheritance.

Submissions (3):

Ambry Genetics
Classification: Likely pathogenic for Cardiovascular phenotype. Last evaluated: 2025-03-03. Review status: criteria provided, single submitter. Criteria: Ambry Variant Classification Scheme 2023. Collection method: clinical testing. Allele origin: germline.
Comment: The c.1394-2A>G intronic variant results from an A to G substitution two nucleotides before coding exon 11 of the KCNQ1 gene. Alterations that disrupt the canonical splice site are expected to cause aberrant splicing, resulting in an abnormal protein or a transcript that is subject to nonsense-mediated mRNA decay. This variant was not reported in population-based cohorts in the Genome Aggregation Database (gnomAD). This variant was reported in individual(s) with features consistent with long QT syndrome (Lieve, 2013; Schwartz, 2021). This nucleotide position is highly conserved in available vertebrate species. In silico splice site analysis predicts that this alteration will weaken the native splice acceptor site and will result in the creation or strengthening of a novel splice acceptor site. Based on the available evidence, this alteration is classified as likely pathogenic.

Blueprint Genetics
Classification: Pathogenic for KCNQ1-related disorders. Last evaluated: 2023-08-11. Review status: criteria provided, single submitter. Criteria: ACMG Guidelines, 2015. Collection method: clinical testing. Allele origin: germline. Affected: yes. Observed: 1 variant allele.

Labcorp Genetics (formerly Invitae), Labcorp
Classification: Pathogenic for Long QT syndrome. Last evaluated: 2022-11-15. Review status: criteria provided, single submitter. Criteria: Invitae Variant Classification Sherloc (09022015). Collection method: clinical testing. Allele origin: germline.
Comment: This sequence change affects an acceptor splice site in intron 10 of the KCNQ1 gene. It is expected to disrupt RNA splicing. Variants that disrupt the donor or acceptor splice site typically lead to a loss of protein function (PMID: 16199547), and loss-of-function variants in KCNQ1 are known to be pathogenic (PMID: 9323054, 19862833). This variant is not present in population databases (gnomAD no frequency). Disruption of this splice site has been observed in individuals with clinical features of long QT syndrome (PMID: 17905336, 23631430, 26318259; Invitae). ClinVar contains an entry for this variant (Variation ID: 1500718). Algorithms developed to predict the effect of sequence changes on RNA splicing suggest that this variant may disrupt the consensus splice site. For these reasons, this variant has been classified as Pathogenic.

Literature cited by the submitters: PubMed 23631430 (cited by Ambry Genetics and Labcorp Genetics (formerly Invitae), Labcorp); PubMed 34505893 (cited by Ambry Genetics); PubMed 16199547 (cited by Labcorp Genetics (formerly Invitae), Labcorp); PubMed 9323054 (cited by Labcorp Genetics (formerly Invitae), Labcorp); PubMed 19862833 (cited by Labcorp Genetics (formerly Invitae), Labcorp); PubMed 17905336 (cited by Labcorp Genetics (formerly Invitae), Labcorp); PubMed 26318259 (cited by Labcorp Genetics (formerly Invitae), Labcorp).